The following is an entry in ClinVar:

NM_024757.5(EHMT1):c.3346C>T (p.Arg1116Ter)

Gene: EHMT1 (euchromatic histone lysine methyltransferase 1; plus strand). Cytogenetic location: 9q34.3.
Variant type: single nucleotide variant.
Coding change: c.3346C>T on transcript NM_024757.5 (MANE Select); coding-DNA position 3346, C replaced by T.
Protein change: p.Arg1116Ter; replaces arginine 1116 with a stop codon.
Molecular consequence: nonsense.
Genome position (GRCh38, 1-based): chr9:137,816,034, C>T. VCF-style: chr9-137816034-C-T. GRCh37 (hg19) VCF-style: chr9-140710486-C-T.
Other names: c.3325C>T, p.Arg1109Ter (NM_001354263.2); short protein forms R1116*, R1109*.
Identifiers: ClinVar variation 521743 (VCV000521743.5), dbSNP rs749848324, ClinGen allele CA375796778.
Genomic context (GRCh38, chr9:137,816,034, plus strand): 5'-ATGGCGGAGCCTCCCTTGATCTTCGAATGCAACCACGCGTGCTCCTGCTGGAGGAACTGC[C>T]GAAATCGCGTCGTACAGAATGGTCTCAGGTGAGAGGCAGCTTCCTGCCGGAGCCCCACAT-3'

ClinVar aggregate classification (germline): Pathogenic. Review status: criteria provided, multiple submitters, no conflicts (2 of 4 stars). 2 submissions from 2 submitters: Pathogenic (2). Last evaluated 2024-06-17.

Conditions:
Inborn genetic diseases. Identifiers: MedGen C0950123, MeSH D030342.
Kleefstra syndrome 1 (KLEFS1). Identifiers: Orphanet 261494, MedGen C0795833, MONDO:0027407, OMIM 610253.

Submissions (2):

Pittsburgh Clinical Genomics Laboratory, University of Pittsburgh Medical Center
Classification: Pathogenic for Kleefstra syndrome 1. Last evaluated: 2024-06-17. Review status: criteria provided, single submitter. Criteria: ACMG Guidelines, 2015. Collection method: clinical testing. Allele origin: germline. Inheritance: Autosomal dominant inheritance. Affected: yes.
Comment: This sequence variant is a single nucleotide substitution (C>T) at position 3346 of the coding sequence of the EHMT1 gene that results in an arginine to an early termination codon at residue 1116 of the Euchromatic Histone Lysine Methyltransferase 1 protein. This is a previously reported variant (ClinVar 435811) that has not been observed in individuals affected by EHMT1-related disorder in the published literature, to our knowledge. This variant is absent from the gnomAD population database v4.1.0 (0 in approximately 1,610,000 alleles). Loss of function is a known mechanism of disease in the EHMT1 gene (PMID: 16826528). Therefore, we consider this variant to be pathogenic. ACMG Criteria: PM2, PS2, PVS1

Ambry Genetics
Classification: Pathogenic for Inborn genetic diseases. Last evaluated: 2017-05-03. Review status: criteria provided, single submitter. Criteria: Ambry exome assertion method (8-5-2015). Collection method: clinical testing. Allele origin: germline. Affected: yes. Observed: 1 variant allele.

Literature cited by the submitters: PubMed 16826528 (cited by Pittsburgh Clinical Genomics Laboratory, University of Pittsburgh Medical Center and Ambry Genetics); PubMed 22670141 (cited by Ambry Genetics); PubMed 26808425 (cited by Ambry Genetics); PubMed 22726846 (cited by Ambry Genetics); PubMed 19264732 (cited by Ambry Genetics); PubMed 15805155 (cited by Ambry Genetics).